The following is an entry in ClinVar:

ClinVar aggregate classification (germline): Uncertain significance (1 of 4 stars; one submission).

Conditions:
Carnitine palmitoyltransferase II deficiency. Also called: Carnitine Palmitoyltransferase 2 Deficiency. Identifiers: Orphanet 157, MedGen C0342790, MONDO:0015515.

Submission:

Labcorp Genetics (formerly Invitae), Labcorp
Classification: Uncertain significance for Carnitine palmitoyltransferase II deficiency. Last evaluated: 2022-10-25. Review status: criteria provided, single submitter. Criteria: Invitae Variant Classification Sherloc (09022015). Collection method: clinical testing. Allele origin: germline.
Comment: Advanced modeling of protein sequence and biophysical properties (such as structural, functional, and spatial information, amino acid conservation, physicochemical variation, residue mobility, and thermodynamic stability) has been performed at Invitae for this missense variant, however the output from this modeling did not meet the statistical confidence thresholds required to predict the impact of this variant on CPT2 protein function. In summary, the available evidence is currently insufficient to determine the role of this variant in disease. Therefore, it has been classified as a Variant of Uncertain Significance. ClinVar contains an entry for this variant (Variation ID: 935898). This sequence change replaces tyrosine, which is neutral and polar, with asparagine, which is neutral and polar, at codon 202 of the CPT2 protein (p.Tyr202Asn). This variant is not present in population databases (gnomAD no frequency). This variant has not been reported in the literature in individuals affected with CPT2-related conditions.

NM_000098.3(CPT2):c.604T>A (p.Tyr202Asn)

Gene: CPT2 (carnitine palmitoyltransferase 2; plus strand). Cytogenetic location: 1p32.3.
Variant type: single nucleotide variant.
Coding change: c.604T>A on transcript NM_000098.3 (MANE Select); coding-DNA position 604, T replaced by A.
Protein change: p.Tyr202Asn; replaces tyrosine 202 with asparagine.
Molecular consequence: missense variant.
Genome position (GRCh38, 1-based): chr1:53,210,278, T>A. VCF-style: chr1-53210278-T-A. GRCh37 (hg19) VCF-style: chr1-53675950-T-A.
Other names: c.604T>A, p.Tyr202Asn (NM_001330589.2); short protein forms Y202N.
Identifiers: ClinVar variation 935898 (VCV000935898.9), dbSNP rs1645413493, ClinGen allele CA340392836.